The following is an entry in ClinVar:

NM_001250.6(CD40):c.412G>A (p.Val138Ile)

Gene: CD40 (CD40 molecule; plus strand). Cytogenetic location: 20q13.12.
Variant type: single nucleotide variant.
Coding change: c.412G>A on transcript NM_001250.6 (MANE Select); coding-DNA position 412, G replaced by A.
Protein change: p.Val138Ile; replaces valine 138 with isoleucine.
Molecular consequence: missense variant. On other transcripts: intron variant (1).
Genome position (GRCh38, 1-based): chr20:46,123,134, G>A. VCF-style: chr20-46123134-G-A. GRCh37 (hg19) VCF-style: chr20-44751773-G-A.
Other names: c.412G>A, p.Val138Ile (NM_001302753.2, NM_001322421.2, NM_001362758.2 and 1 more transcripts); c.403+378G>A (NM_001322422.2); short protein forms V138I.
Identifiers: ClinVar variation 1417854 (VCV001417854.5), dbSNP rs368921167, ClinGen allele CA315651510.

ClinVar aggregate classification (germline): Uncertain significance (1 of 4 stars; one submission).

Allele frequency attached by ClinVar (database versions not stated): gnomAD exomes below 0.00001; gnomAD 0.00001; TOPMed 0.00002.
gnomAD v4.1: 17 of 1,613,940 alleles (0.0011%); highest among the groups gnomAD compares: Non-Finnish European, 0.0014%; no homozygotes.

Submission:

Labcorp Genetics (formerly Invitae), Labcorp
Classification: Uncertain significance. Last evaluated: 2021-09-01. Review status: criteria provided, single submitter. Criteria: Invitae Variant Classification Sherloc (09022015). Collection method: clinical testing. Allele origin: germline.
Comment: This sequence change replaces valine with isoleucine at codon 138 of the CD40 protein (p.Val138Ile). The valine residue is weakly conserved and there is a small physicochemical difference between valine and isoleucine. This variant is not present in population databases (ExAC no frequency). This variant has not been reported in the literature in individuals affected with CD40-related conditions. Algorithms developed to predict the effect of missense changes on protein structure and function output the following: SIFT: "Tolerated"; PolyPhen-2: "Benign"; Align-GVGD: "Class C0". The isoleucine amino acid residue is found in multiple mammalian species, which suggests that this missense change does not adversely affect protein function. In summary, the available evidence is currently insufficient to determine the role of this variant in disease. Therefore, it has been classified as a Variant of Uncertain Significance.